The following is an entry in ClinVar:

NM_018010.4(IFT57):c.1031G>T (p.Arg344Ile)

Gene: IFT57 (intraflagellar transport 57; minus strand). Cytogenetic location: 3q13.12.
Variant type: single nucleotide variant.
Coding change: c.1031G>T on transcript NM_018010.4 (MANE Select); coding-DNA position 1031, G replaced by T.
Protein change: p.Arg344Ile; replaces arginine 344 with isoleucine.
Molecular consequence: missense variant.
Genome position (GRCh38, 1-based): chr3:108,165,444, C>A on the plus strand (G>T on the coding strand, the complement: IFT57 is on the minus strand). VCF-style: chr3-108165444-C-A. GRCh37 (hg19) VCF-style: chr3-107884291-C-A.
Other names: short protein forms R344I.
Identifiers: ClinVar variation 3679171 (VCV003679171.2).

ClinVar aggregate classification (germline): Uncertain significance (1 of 4 stars; one submission).

Submission:

Labcorp Genetics (formerly Invitae), Labcorp
Classification: Uncertain significance. Last evaluated: 2024-05-02. Review status: criteria provided, single submitter. Criteria: Invitae Variant Classification Sherloc (09022015). Collection method: clinical testing. Allele origin: germline.
Comment: This sequence change replaces arginine, which is basic and polar, with isoleucine, which is neutral and non-polar, at codon 344 of the IFT57 protein (p.Arg344Ile). This variant is present in population databases (rs757443407, gnomAD 0.007%). This variant has not been reported in the literature in individuals affected with IFT57-related conditions. An algorithm developed to predict the effect of missense changes on protein structure and function (PolyPhen-2) suggests that this variant is likely to be tolerated. In summary, the available evidence is currently insufficient to determine the role of this variant in disease. Therefore, it has been classified as a Variant of Uncertain Significance.